The following is an entry in ClinVar:

NM_001348323.3(TRIP12):c.5906G>T (p.Arg1969Leu)

Gene: TRIP12 (thyroid hormone receptor interactor 12; minus strand). Cytogenetic location: 2q36.3.
Variant type: single nucleotide variant.
Coding change: c.5906G>T on transcript NM_001348323.3 (MANE Select); coding-DNA position 5906, G replaced by T.
Protein change: p.Arg1969Leu; replaces arginine 1969 with leucine.
Molecular consequence: missense variant.
Genome position (GRCh38, 1-based): chr2:229,768,717, C>A on the plus strand (G>T on the coding strand, the complement: TRIP12 is on the minus strand). VCF-style: chr2-229768717-C-A. GRCh37 (hg19) VCF-style: chr2-230633433-C-A.
Other names: c.5825G>T, p.Arg1942Leu (NM_001284214.2, NM_001348315.2); c.5780G>T, p.Arg1927Leu (NM_001284215.2, NM_001348316.2); c.4871G>T, p.Arg1624Leu (NM_001284216.2); c.5765G>T, p.Arg1922Leu (NM_001348317.1, NM_001348318.2); c.5891G>T, p.Arg1964Leu (NM_001348319.1, NM_001348320.2); c.5894G>T, p.Arg1965Leu (NM_001348321.1); c.5906G>T, p.Arg1969Leu (NM_001348322.1, NM_001348324.2, NM_001348325.2 and 2 more transcripts); c.5909G>T, p.Arg1970Leu (NM_001348328.1, NM_001348329.2, NM_001348330.2); and 4 more; short protein forms R1624L, R1894L, R1895L, R1922L, R1927L, R1935L, R1942L, R1943L.
Identifiers: ClinVar variation 1711903 (VCV001711903.2), dbSNP rs142150744, ClinGen allele CA350883619.

ClinVar aggregate classification (germline): Uncertain significance (1 of 4 stars; one submission).

Submission:

GeneDx
Classification: Uncertain significance. Last evaluated: 2022-04-18. Review status: criteria provided, single submitter. Criteria: GeneDx Variant Classification Process June 2021. Collection method: clinical testing. Allele origin: germline. Affected: yes.
Comment: Not observed at significant frequency in large population cohorts (gnomAD); In silico analysis supports that this missense variant has a deleterious effect on protein structure/function; Has not been previously published as pathogenic or benign to our knowledge